The following is an entry in ClinVar:

NM_021930.6(RINT1):c.1538T>G (p.Val513Gly)

Gene: RINT1 (RAD50 interactor 1; plus strand). Cytogenetic location: 7q22.3.
Variant type: single nucleotide variant.
Coding change: c.1538T>G on transcript NM_021930.6 (MANE Select); coding-DNA position 1538, T replaced by G.
Protein change: p.Val513Gly; replaces valine 513 with glycine.
Molecular consequence: missense variant.
Genome position (GRCh38, 1-based): chr7:105,555,094, T>G. VCF-style: chr7-105555094-T-G. GRCh37 (hg19) VCF-style: chr7-105195541-T-G.
Other names: c.515T>G, p.Val172Gly (NM_001346600.2, NM_001346603.2); c.614T>G, p.Val205Gly (NM_001346601.2); c.1304T>G, p.Val435Gly (NM_001346599.2); short protein forms V435G, V513G, V172G, V205G.
Identifiers: ClinVar variation 5028270 (VCV005028270.1).

ClinVar aggregate classification (germline): Uncertain significance (1 of 4 stars; one submission).

Submission:

Ambry Genetics
Classification: Uncertain significance. Last evaluated: 2026-06-28. Review status: criteria provided, single submitter. Criteria: Ambry Variant Classification Scheme 2023. Collection method: clinical testing. Allele origin: germline.
Comment: The p.V513G variant (also known as c.1538T>G), located in coding exon 11 of the RINT1 gene, results from a T to G substitution at nucleotide position 1538. The valine at codon 513 is replaced by glycine, an amino acid with dissimilar properties. This amino acid position is conserved. In addition, this alteration is predicted to be deleterious by in silico analysis. Based on the available evidence, the clinical significance of this variant remains unclear.